The following is an entry in ClinVar:

NM_021930.6(RINT1):c.1981C>G (p.Gln661Glu)

Genes: EFCAB10 (EF-hand calcium binding domain 10; minus strand), RINT1 (RAD50 interactor 1; plus strand). Cytogenetic location: 7q22.3.
Variant type: single nucleotide variant.
Coding change: c.1981C>G on transcript NM_021930.6 (MANE Select); coding-DNA position 1981, C replaced by G.
Protein change: p.Gln661Glu; replaces glutamine 661 with glutamic acid.
Molecular consequence: missense variant. On other transcripts: 3 prime UTR variant (3), non-coding transcript variant (1).
Genome position (GRCh38, 1-based): chr7:105,565,371, C>G. VCF-style: chr7-105565371-C-G. GRCh37 (hg19) VCF-style: chr7-105205818-C-G.
Other names: c.*76G>C (NM_001355526.2); c.*178G>C (NM_001355530.2); c.*31G>C (NM_001355531.2); c.1747C>G, p.Gln583Glu (NM_001346599.2); c.958C>G, p.Gln320Glu (NM_001346600.2, NM_001346603.2); c.1057C>G, p.Gln353Glu (NM_001346601.2); short protein forms Q320E, Q583E, Q661E, Q353E.
Identifiers: ClinVar variation 2563359 (VCV002563359.2), dbSNP rs2485183756, ClinGen allele CA368814822.

ClinVar aggregate classification (germline): Uncertain significance (1 of 4 stars; one submission).

Submission:

Ambry Genetics
Classification: Uncertain significance. Last evaluated: 2023-05-27. Review status: criteria provided, single submitter. Criteria: Ambry Variant Classification Scheme 2023. Collection method: clinical testing. Allele origin: germline.
Comment: The p.Q661E variant (also known as c.1981C>G), located in coding exon 13 of the RINT1 gene, results from a C to G substitution at nucleotide position 1981. The glutamine at codon 661 is replaced by glutamic acid, an amino acid with highly similar properties. This amino acid position is conserved. In addition, this alteration is predicted to be tolerated by in silico analysis. Since supporting evidence is limited at this time, the clinical significance of this alteration remains unclear.